The following is an entry in ClinVar:

NM_000089.4(COL1A2):c.385G>A (p.Ala129Thr)

Gene: COL1A2 (collagen type I alpha 2 chain; plus strand). Cytogenetic location: 7q21.3.
Variant type: single nucleotide variant.
Coding change: c.385G>A on transcript NM_000089.4 (MANE Select); coding-DNA position 385, G replaced by A.
Protein change: p.Ala129Thr; replaces alanine 129 with threonine.
Molecular consequence: missense variant.
Genome position (GRCh38, 1-based): chr7:94,404,845, G>A. VCF-style: chr7-94404845-G-A. GRCh37 (hg19) VCF-style: chr7-94034157-G-A.
Other names: short protein forms A129T.
Identifiers: ClinVar variation 4681463 (VCV004681463.5).

ClinVar aggregate classification (germline): Uncertain significance (1 of 4 stars; one submission).

Submission:

CeGaT Center for Human Genetics Tuebingen
Classification: Uncertain significance. Last evaluated: 2025-12-01. Review status: criteria provided, single submitter. Criteria: CeGaT Center For Human Genetics Tuebingen Variant Classification Criteria Version 2. Collection method: clinical testing. Allele origin: germline. Affected: yes. Observed: 1 variant allele.
Comment: COL1A2: PM2